The following is an entry in ClinVar:

NM_001384732.1(CPLANE1):c.3380C>T (p.Ser1127Leu)

Gene: CPLANE1 (ciliogenesis and planar polarity effector complex subunit 1; minus strand). Cytogenetic location: 5p13.2.
Variant type: single nucleotide variant.
Coding change: c.3380C>T on transcript NM_001384732.1 (MANE Select); coding-DNA position 3380, C replaced by T.
Protein change: p.Ser1127Leu; replaces serine 1127 with leucine.
Molecular consequence: missense variant.
Genome position (GRCh38, 1-based): chr5:37,201,718, G>A on the plus strand (C>T on the coding strand, the complement: CPLANE1 is on the minus strand). VCF-style: chr5-37201718-G-A. GRCh37 (hg19) VCF-style: chr5-37201820-G-A.
Other names: c.3380C>T, p.Ser1127Leu (NM_023073.4); short protein forms S1127L.
Identifiers: ClinVar variation 157515 (VCV000157515.14), dbSNP rs375009168, ClinGen allele CA170947.

ClinVar aggregate classification (germline): Pathogenic/Likely pathogenic. Review status: criteria provided, multiple submitters, no conflicts (2 of 4 stars). 6 submissions from 6 submitters: Pathogenic (3); Likely pathogenic (2). 1 of the submissions does not count toward it. Last evaluated 2025-02-26.

Conditions:
Orofaciodigital syndrome type 6 (OFD6). Also called: OROFACIODIGITAL SYNDROME VI; OFDS VI; POLYDACTYLY, CLEFT LIP/PALATE OR LINGUAL LUMP, AND PSYCHOMOTOR RETARDATION; VARADI SYNDROME; VARADI-PAPP SYNDROME; Oral-facial-digital syndrome type 6. Identifiers: Orphanet 2754, MedGen C2745997, MONDO:0010176, OMIM 277170.
Joubert syndrome 17 (JBTS17). Identifiers: Orphanet 475, MedGen C3553264, MONDO:0013824, OMIM 614615.

Allele frequency attached by ClinVar (database versions not stated): gnomAD exomes 0.00001; gnomAD 0.00003.
gnomAD v4.1: 4 of 1,614,058 alleles (0.00025%); highest among the groups gnomAD compares: Non-Finnish European, 0.00034%; no homozygotes.

Submissions (6):

GeneDx
Classification: Pathogenic. Last evaluated: 2025-02-26. Review status: criteria provided, single submitter. Criteria: GeneDx Variant Classification Process June 2021. Collection method: clinical testing. Allele origin: germline. Affected: yes.
Comment: Not observed at significant frequency in large population cohorts (gnomAD); In silico analysis supports that this missense variant has a deleterious effect on protein structure/function; This variant is associated with the following publications: (PMID: 24178751, 28289185, 29605658, 36964972, 37204857, 31158925, 25407461)

Victorian Clinical Genetics Services, Murdoch Childrens Research Institute
Classification: Pathogenic for Joubert syndrome 17. Last evaluated: 2024-10-01. Review status: criteria provided, single submitter. Criteria: ACMG Guidelines, 2015. Collection method: clinical testing. Allele origin: germline. Affected: yes.
Comment: This variant is classified as Pathogenic. Evidence in support of pathogenic classification: Variant is present in gnomAD <0.01 for a recessive condition (v4: 4 heterozygote(s), 0 homozygote(s)); This variant has been reported three times as likely pathogenic and once as pathogenic (ClinVar). In addition, it has been reported in two families with compound heterozygous probands, and one family where phasing was unconfirmed, with orofaciodigital syndrome VI (PMIDs: 31158925, 24178751); Missense variant consistently predicted to be damaging by in silico tool or highly conserved with a major amino acid change; Heterozygous variant detected in trans with a second PATHOGENIC heterozygous variant, NM_001384732.1:c.3094_3095del; p.(Val1032Phefs*11), in a recessive disease. Additional information: Variant is predicted to result in a missense amino acid change from serine to leucine; This variant is heterozygous; This gene is associated with autosomal recessive disease; An alternative amino acid change at the same position has been observed in gnomAD (v4: 7 heterozygote(s), 0 homozygote(s)); No published functional evidence has been identified for this variant; Another missense variant comparable to the one identified in this case has conflicting previous evidence for pathogenicity. p.(Ser1127Ala) has been reported twice as a VUS (ClinVar) and once as likely pathogenic in a compound heterozygote individual with a movement disorder and developmental delay (PMID: 36233161); Variant is not located in an established domain, motif, hotspot or informative constraint region; Loss of function is a known mechanism of disease in this gene and is associated with Joubert syndrome 17 (MIM#614615) and orofaciodigital syndrome VI (MIM#277170).

Labcorp Genetics (formerly Invitae), Labcorp
Classification: Pathogenic. Last evaluated: 2023-09-15. Review status: criteria provided, single submitter. Criteria: Invitae Variant Classification Sherloc (09022015). Collection method: clinical testing. Allele origin: germline.
Comment: For these reasons, this variant has been classified as Pathogenic. Advanced modeling of protein sequence and biophysical properties (such as structural, functional, and spatial information, amino acid conservation, physicochemical variation, residue mobility, and thermodynamic stability) performed at Invitae indicates that this missense variant is expected to disrupt CPLANE1 protein function. ClinVar contains an entry for this variant (Variation ID: 157515). This missense change has been observed in individual(s) with Oral-facial-digital syndrome (PMID: 24178751, 31158925). In at least one individual the data is consistent with being in trans (on the opposite chromosome) from a pathogenic variant. It has also been observed to segregate with disease in related individuals. This variant is present in population databases (rs375009168, gnomAD 0.005%). This sequence change replaces serine, which is neutral and polar, with leucine, which is neutral and non-polar, at codon 1127 of the CPLANE1 protein (p.Ser1127Leu).

Institute of Medical Genetics and Applied Genomics, University Hospital Tübingen
Classification: Likely pathogenic for Joubert syndrome 17. Last evaluated: 2023-07-06. Review status: criteria provided, single submitter. Criteria: ACMG Guidelines, 2015. Collection method: clinical testing. Allele origin: germline. Inheritance: Autosomal recessive inheritance. Affected: yes.

Genetic Services Laboratory, University of Chicago
Classification: Likely pathogenic for Joubert syndrome 17. Last evaluated: 2015-08-26. Review status: criteria provided, single submitter. Criteria: ACMG Guidelines, 2015. Collection method: clinical testing. Allele origin: germline. Affected: yes.

OMIM
Classification: Pathogenic for OROFACIODIGITAL SYNDROME VI. Last evaluated: 2014-03-01. Review status: no assertion criteria provided. Collection method: literature only. Allele origin: germline. Not counted in ClinVar's aggregate classification.

Literature cited by the submitters: PubMed 36233161 (cited by Victorian Clinical Genetics Services, Murdoch Childrens Research Institute); PubMed 24178751 (cited by Labcorp Genetics (formerly Invitae), Labcorp and OMIM); PubMed 31158925 (cited by Labcorp Genetics (formerly Invitae), Labcorp).